The following is an entry in ClinVar:

ClinVar aggregate classification (germline): Uncertain significance (1 of 4 stars; one submission).

Conditions:
Hereditary cancer-predisposing syndrome. Also called: Tumor predisposition; Hereditary Cancer Syndrome; Neoplastic Syndromes, Hereditary; Hereditary neoplastic syndrome. Identifiers: Orphanet 140162, MedGen C0027672, MeSH D009386, MONDO:0015356.

Submission:

Ambry Genetics
Classification: Uncertain significance for Hereditary cancer-predisposing syndrome. Last evaluated: 2019-10-22. Review status: criteria provided, single submitter. Criteria: Ambry Variant Classification Scheme 2023. Collection method: clinical testing. Allele origin: germline.
Comment: The p.Q98R variant (also known as c.293A>G), located in coding exon 2 of the PHOX2B gene, results from an A to G substitution at nucleotide position 293. The glutamine at codon 98 is replaced by arginine, an amino acid with highly similar properties. This amino acid position is highly conserved in available vertebrate species. In addition, the in silico prediction for this alteration is inconclusive. Since supporting evidence is limited at this time, the clinical significance of this alteration remains unclear.

NM_003924.4(PHOX2B):c.293A>G (p.Gln98Arg)

Gene: PHOX2B (paired like homeobox 2B; minus strand). Cytogenetic location: 4p13.
Variant type: single nucleotide variant.
Coding change: c.293A>G on transcript NM_003924.4 (MANE Select); coding-DNA position 293, A replaced by G.
Protein change: p.Gln98Arg; replaces glutamine 98 with arginine.
Molecular consequence: missense variant.
Genome position (GRCh38, 1-based): chr4:41,747,485, T>C on the plus strand (A>G on the coding strand, the complement: PHOX2B is on the minus strand). VCF-style: chr4-41747485-T-C. GRCh37 (hg19) VCF-style: chr4-41749502-T-C.
Other names: short protein forms Q98R.
Identifiers: ClinVar variation 822310 (VCV000822310.4), dbSNP rs1577560359, ClinGen allele CA356740417.